The following is an entry in ClinVar:

ClinVar aggregate classification (germline): Uncertain significance. Review status: reviewed by expert panel (3 of 4 stars). 9 submissions from 9 submitters: Uncertain significance (1). 8 of the submissions do not count toward it. Last evaluated 2026-01-30.

Conditions:
BMPR2-related disorder. Also called: BMPR2-related disorders; BMPR2-related condition.
Primary pulmonary hypertension. Also called: Idiopathic pulmonary hypertension. Identifiers: MedGen C0152171.
Pulmonary arterial hypertension. Identifiers: Orphanet 182090, MedGen C2973725, MeSH D000081029, MONDO:0015924, HP:0002092.
Pulmonary hypertension, primary, 1 (PPH1). Also called: Pulmonary hypertension, familial primary, 1, with or without HHT. Identifiers: Orphanet 422, MedGen C4552070, MONDO:0024533, OMIM 178600.
Pulmonary hypertension, primary, fenfluramine-associated. Identifiers: MedGen C1969343.

Allele frequency attached by ClinVar (database versions not stated): ExAC 0.00014; gnomAD 0.00014 and 0.00016; gnomAD exomes 0.00014 and 0.00026; TOPMed 0.00016.
gnomAD v4.1: 408 of 1,613,798 alleles (0.025%); highest among the groups gnomAD compares: Non-Finnish European, 0.033%; no homozygotes.

Submissions (9):

Clingen Pulmonary Hypertension Variant Curation Expert Panel, ClinGen
Classification: Uncertain significance for Pulmonary arterial hypertension. Last evaluated: 2026-01-30. Review status: reviewed by expert panel. Criteria: ClinGen PH ACMG Specifications BMPR2 V2.0.0. Collection method: curation. Allele origin: germline. Inheritance: Autosomal dominant inheritance.
Comment: The NM_0001204.7(BMPR2) c.545G>A variant is a missense variant predicted to cause substitution of glycine by aspartic acid at amino acid 182 (p.Gly182Asp). The highest subpopulation minor allele frequency in gnomAD v2.1.1 (controls) is 0.0003507 in the European (non-Finnish) population, which is higher than the ClinGen PH VCEP threshold (<0.01%) for PM2 but lower than the threshold (>0.1%) for BS1. A similar AF in gnomAD v4.1 (non-Finnish Europeans, 388/1179912) confirms the non-application of PM2 (PM2 not met). Computational prediction tool scores (REVEL 0.8069, AlphaMissense 0.4252, CADD 16.92) did not yield two out of three of these above the PH VCEP thresholds (PP3 not met). Luciferase assay data indicated that variant transcriptional activity was comparable to wild-type, indicating no deleterious effect (BS3; PMID: 18321866). In summary, this variant meets the criteria to be classified as likely benign for pulmonary arterial hypertension based on the ACMG/AMP criteria applied, as specified by the ClinGen Pulmonary Hypertension VCEP: no criteria scored. (VCEP specifications version 2.0, 1/30/2026)

Labcorp Genetics (formerly Invitae), Labcorp
Classification: Likely benign for Primary pulmonary hypertension. Last evaluated: 2025-10-13. Review status: criteria provided, single submitter. Criteria: Invitae Variant Classification Sherloc (09022015). Collection method: clinical testing. Allele origin: germline. Not counted in ClinVar's aggregate classification.

PreventionGenetics, part of Exact Sciences
Classification: Likely benign for BMPR2-related condition. Last evaluated: 2024-10-23. Review status: criteria provided, single submitter. Criteria: ACMG Guidelines, 2015. Collection method: clinical testing. Allele origin: germline. Not counted in ClinVar's aggregate classification.
Comment: This variant is classified as likely benign based on ACMG/AMP sequence variant interpretation guidelines (Richards et al. 2015 PMID: 25741868, with internal and published modifications).

CeGaT Center for Human Genetics Tuebingen
Classification: Uncertain significance. Last evaluated: 2023-11-01. Review status: criteria provided, single submitter. Criteria: CeGaT Center For Human Genetics Tuebingen Variant Classification Criteria Version 2. Collection method: clinical testing. Allele origin: germline. Affected: yes. Observed: 1 variant allele. Not counted in ClinVar's aggregate classification.
Comment: BMPR2: PM2:Supporting, PP3

Victorian Clinical Genetics Services, Murdoch Childrens Research Institute
Classification: Uncertain significance for Pulmonary hypertension, primary, 1. Last evaluated: 2019-08-28. Review status: criteria provided, single submitter. Criteria: ACMG Guidelines, 2015. Collection method: clinical testing. Allele origin: germline. Inheritance: Autosomal dominant inheritance. Not counted in ClinVar's aggregate classification.
Comment: A heterozygous missense variant was identified, NM_001204.6(BMPR2):c.545G>A in exon 5 of 13 of the BMPR2 gene. This substitution is predicted to create a moderate amino acid change from glycine to aspartic acid at position 182 of the protein, NP_001195.2(BMPR2):p.(Gly182Asp). The glycine at this position has very high conservation (100 vertebrates, UCSC), but is not situated in a known functional domain. In silico software predicts this variant to be pathogenic (PolyPhen, SIFT, CADD, MutationTaster). The variant is present in the gnomAD population database at a frequency of 0.014% (39 heterozygotes; 0 homozygotes). The variant has been previously reported in a patient with pulmonary hypertension and also described as a VUS (ClinVar, Humbert, M. et al. (2002)). In addition, functional studies of the variant showed that transcriptional activities were comparable to wild-type (Nasim, M. et al. (2008)). Based on information available at the time of curation, this variant has been classified as a VARIANT of UNCERTAIN SIGNIFICANCE (VUS).

Center for Personalized Medicine, Children's Hospital Los Angeles
Classification: Uncertain significance. Last evaluated: 2018-11-19. Review status: criteria provided, single submitter. Criteria: ACMG Guidelines, 2015. Collection method: clinical testing. Allele origin: germline. Affected: yes. Not counted in ClinVar's aggregate classification.

ARUP Laboratories, Molecular Genetics and Genomics, ARUP Laboratories
Classification: Uncertain significance. Last evaluated: 2018-03-23. Review status: criteria provided, single submitter. Criteria: ARUP Molecular Germline Variant Investigation Process. Collection method: clinical testing. Allele origin: germline. Not counted in ClinVar's aggregate classification.
Comment: The BMPR2 c.545G>A; p.Gly182Asp variant (rs137852754) has been previously identified in a patient diagnosed with fenfluramine-associated primary pulmonary hypertension (PAH) after taking the drug for 2 months (Humbert 2002). It is reported in ClinVar (Variation ID: 8813) and is observed in the non-Finnish European population at an overall frequency of 0.03% (38/126718 alleles) in the Genome Aggregation Database. The glycine at codon 182 is highly conserved but computational algorithms (SIFT: tolerated, PolyPhen2: damaging) predict conflicting effects of this variant on protein structure/function. Functional studies have suggested that the variant protein induces a transcriptional response following BMP4 stimulation in a manner indistinguishable from wild type BMPR2, although statistical analyses supporting this conclusion were not performed (Nasim 2008). Due to incomplete and conflicting information, the clinical significance of this variant cannot be determined with certainty. References: Humbert et al. BMPR2 germline mutations in pulmonary hypertension associated with fenfluramine derivatives. Eur Respir J. 2002; 20(3): 518-523. Nasim et al. Stoichiometric imbalance in the receptor complex contributes to dysfunctional BMPR-II mediated signalling in pulmonary arterial hypertension. Hum Mol Genet. 2008; 17(11): 1683-1694.

OMIM
Classification: Pathogenic for PULMONARY HYPERTENSION, PRIMARY, FENFLURAMINE-ASSOCIATED. Last evaluated: 2002-09-01. Review status: no assertion criteria provided. Collection method: literature only. Allele origin: germline. Not counted in ClinVar's aggregate classification.

Department of Pathology and Laboratory Medicine, Sinai Health System
Classification: Uncertain significance. Review status: no assertion criteria provided. Collection method: clinical testing. Allele origin: unknown. Affected: yes. Study: The Canadian Open Genetics Repository (COGR). Not counted in ClinVar's aggregate classification.
Comment: The BMPR2 p.Gly182Asp variant was identified in one individual with fenfluramine-associated pulmonary hypertension (Humbert_2002_PMID:12358323). Functional analysis revealed no difference in BMPR2 protein activity with the p.Gly182Asp variant compared to wild type (Nasim_ 2008_PMID:18321866). The variant was identified in dbSNP (ID: rs137852754), ClinVar (classified as uncertain significance by ARUP Laboratories and CHLA Center for Personalized Medicine), and LOVD 3.0 (variant effect not shared). The variant was identified in control databases in 39 of 282854 chromosomes at a frequency of 0.0001379 (Genome Aggregation Database March 6, 2019, v2.1.1). The variant was observed in the European (non-Finnish) population in 39 of 129172 chromosomes (freq: 0.000302), but was not observed in the African, Latino, Ashkenazi Jewish, East Asian, European (Finnish), Other, or South Asian populations. The p.Gly182 residue is conserved across mammals and other organisms, and four out of five computational analyses (PolyPhen-2, SIFT, AlignGVGD, BLOSUM, MutationTaster) suggest that the variant may impact the protein; however, this information is not predictive enough to assume pathogenicity. The variant occurs outside of the splicing consensus sequence and in silico or computational prediction software programs (SpliceSiteFinder, MaxEntScan, NNSPLICE, GeneSplicer) do not predict a difference in splicing. In summary, based on the above information the clinical significance of this variant cannot be determined with certainty at this time. This variant is classified as a variant of uncertain significance.

Literature cited by the submitters: PubMed 18321866 (cited by Clingen Pulmonary Hypertension Variant Curation Expert Panel, ClinGen); PubMed 12358323 (cited by OMIM).

NM_001204.7(BMPR2):c.545G>A (p.Gly182Asp)

Gene: BMPR2 (bone morphogenetic protein receptor type 2; plus strand). Cytogenetic location: 2q33.2.
Variant type: single nucleotide variant.
Coding change: c.545G>A on transcript NM_001204.7 (MANE Select); coding-DNA position 545, G replaced by A.
Protein change: p.Gly182Asp; replaces glycine 182 with aspartic acid.
Molecular consequence: missense variant.
Genome position (GRCh38, 1-based): chr2:202,514,903, G>A. VCF-style: chr2-202514903-G-A. GRCh37 (hg19) VCF-style: chr2-203379626-G-A.
Other names: NM_001204.7(BMPR2):c.545G>A; c.545G>A, p.Gly182Asp (LRG_712t1); short protein forms G182D.
Identifiers: ClinVar variation 8813 (VCV000008813.45), dbSNP rs137852754, ClinGen allele CA119936.